The following is an entry in ClinVar:

ClinVar aggregate classification (germline): Benign (1 of 4 stars; one submission).

Conditions:
Peutz-Jeghers syndrome (PJS). Also called: POLYPOSIS, HAMARTOMATOUS INTESTINAL; POLYPS-AND-SPOTS SYNDROME; Peutz-Jeghers polyposis; Periorificial lentiginosis syndrome. Identifiers: Orphanet 2869, MedGen C0031269, MeSH D010580, MONDO:0008280, OMIM 175200.

Submission:

Myriad Genetics, Inc.
Classification: Benign for Peutz-Jeghers syndrome. Last evaluated: 2025-03-31. Review status: criteria provided, single submitter. Criteria: Myriad Autosomal Dominant, Autosomal Recessive and X-Linked Classification Criteria (2023). Collection method: clinical testing. Allele origin: unknown.
Comment: This variant is considered benign. This variant occurs in the non-coding 3' untranslated region of the gene, and is not expected to impact protein function.

NM_000455.5(STK11):c.*10C>T

Gene: STK11 (serine/threonine kinase 11; plus strand). Cytogenetic location: 19p13.3.
Variant type: single nucleotide variant.
Coding change: c.*10C>T on transcript NM_000455.5 (MANE Select); 10 bases downstream of the stop codon, C replaced by T.
Molecular consequence: 3 prime UTR variant. On other transcripts: non-coding transcript variant (1).
Genome position (GRCh38, 1-based): chr19:1,226,657, C>T. VCF-style: chr19-1226657-C-T. GRCh37 (hg19) VCF-style: chr19-1226656-C-T.
Identifiers: ClinVar variation 3903618 (VCV003903618.1).